The following is an entry in ClinVar:

ClinVar aggregate classification (germline): Uncertain significance (1 of 4 stars; one submission).

Conditions:
Arrhythmogenic right ventricular cardiomyopathy (ARVD). Also called: Arrhythmogenic right ventricular dysplasia; Cardiomyopathy, ARVC; Arrhythmogenic cardiomyopathy; Arrhythmogenic Right Ventricular Cardiomyopathy (ARVC). Identifiers: Orphanet 247, MedGen C0349788, MeSH D019571, MONDO:0016587. Disease mechanism: loss of function. Inheritance: Various modes of inheritance.

Submission:

All of Us Research Program, National Institutes of Health
Classification: Uncertain significance for Arrhythmogenic right ventricular cardiomyopathy. Last evaluated: 2024-09-23. Review status: criteria provided, single submitter. Criteria: ACMG Guidelines, 2015. Collection method: clinical testing. Allele origin: germline. Inheritance: Autosomal dominant inheritance. Observed: 1 variant allele, 1 heterozygote.
Comment: This study involves interpretation of variants in research participants for the purpose of population health screening. Participant phenotype was not available at the time of variant classification. Additional details can be found in publication PMID: 35346344, PMCID: PMC8962531

NM_001005242.3(PKP2):c.1645A>G (p.Thr549Ala)

Gene: PKP2 (plakophilin 2; minus strand). Cytogenetic location: 12p11.21.
Variant type: single nucleotide variant.
Coding change: c.1645A>G on transcript NM_001005242.3 (MANE Select); coding-DNA position 1645, A replaced by G.
Protein change: p.Thr549Ala; replaces threonine 549 with alanine.
Molecular consequence: missense variant.
Genome position (GRCh38, 1-based): chr12:32,824,074, T>C on the plus strand (A>G on the coding strand, the complement: PKP2 is on the minus strand). VCF-style: chr12-32824074-T-C. GRCh37 (hg19) VCF-style: chr12-32977008-T-C.
Other names: c.1645A>G, p.Thr549Ala (NM_001407155.1, NM_001407156.1, NM_001407161.1); c.1777A>G, p.Thr593Ala (NM_001407157.1, NM_004572.4); c.1318A>G, p.Thr440Ala (NM_001407158.1, NM_001407159.1, NM_001407160.1 and 1 more transcripts); short protein forms T440A, T549A, T593A.
Identifiers: ClinVar variation 3387471 (VCV003387471.1).